The following is an entry in ClinVar:

NM_004247.4(EFTUD2):c.1396A>C (p.Ser466Arg)

Gene: EFTUD2 (elongation factor Tu GTP binding domain containing 2; minus strand). Cytogenetic location: 17q21.31.
Variant type: single nucleotide variant.
Coding change: c.1396A>C on transcript NM_004247.4 (MANE Select); coding-DNA position 1396, A replaced by C.
Protein change: p.Ser466Arg; replaces serine 466 with arginine.
Molecular consequence: missense variant.
Genome position (GRCh38, 1-based): chr17:44,863,672, T>G on the plus strand (A>C on the coding strand, the complement: EFTUD2 is on the minus strand). VCF-style: chr17-44863672-T-G. GRCh37 (hg19) VCF-style: chr17-42941040-T-G.
Other names: c.1291A>C, p.Ser431Arg (NM_001142605.2); c.1396A>C, p.Ser466Arg (NM_001258353.2); c.1366A>C, p.Ser456Arg (NM_001258354.2); short protein forms S456R, S431R, S466R.
Identifiers: ClinVar variation 2913782 (VCV002913782.1), dbSNP rs758801312, ClinGen allele CA8607793.

ClinVar aggregate classification (germline): Uncertain significance (1 of 4 stars; one submission).

Allele frequency attached by ClinVar (database versions not stated): TOPMed 0.00001; gnomAD 0.00003; gnomAD exomes 0.00003; ExAC 0.00006.
gnomAD v4.1: 42 of 1,613,908 alleles (0.0026%); highest among the groups gnomAD compares: Non-Finnish European, 0.0034%; no homozygotes.

Submission:

Labcorp Genetics (formerly Invitae), Labcorp
Classification: Uncertain significance. Last evaluated: 2023-08-14. Review status: criteria provided, single submitter. Criteria: Invitae Variant Classification Sherloc (09022015). Collection method: clinical testing. Allele origin: germline.
Comment: In summary, the available evidence is currently insufficient to determine the role of this variant in disease. Therefore, it has been classified as a Variant of Uncertain Significance. Advanced modeling of protein sequence and biophysical properties (such as structural, functional, and spatial information, amino acid conservation, physicochemical variation, residue mobility, and thermodynamic stability) performed at Invitae indicates that this missense variant is not expected to disrupt EFTUD2 protein function. This variant has not been reported in the literature in individuals affected with EFTUD2-related conditions. This variant is present in population databases (rs758801312, gnomAD 0.007%). This sequence change replaces serine, which is neutral and polar, with arginine, which is basic and polar, at codon 466 of the EFTUD2 protein (p.Ser466Arg).